The following is an entry in ClinVar:

ClinVar aggregate classification (germline): Uncertain significance (1 of 4 stars; one submission).

Conditions:
Kabuki syndrome. Also called: Kabuki make-up syndrome; NIIKAWA-KUROKI SYNDROME. Identifiers: Orphanet 2322, MedGen C0796004, MONDO:0016512.

Submission:

Labcorp Genetics (formerly Invitae), Labcorp
Classification: Uncertain significance for Kabuki syndrome. Last evaluated: 2021-11-20. Review status: criteria provided, single submitter. Criteria: Invitae Variant Classification Sherloc (09022015). Collection method: clinical testing. Allele origin: germline.
Comment: In summary, the available evidence is currently insufficient to determine the role of this variant in disease. Therefore, it has been classified as a Variant of Uncertain Significance. Advanced modeling of protein sequence and biophysical properties (such as structural, functional, and spatial information, amino acid conservation, physicochemical variation, residue mobility, and thermodynamic stability) performed at Invitae indicates that this missense variant is not expected to disrupt KMT2D protein function. This variant has not been reported in the literature in individuals affected with KMT2D-related conditions. This variant is not present in population databases (gnomAD no frequency). This sequence change replaces glycine, which is neutral and non-polar, with arginine, which is basic and polar, at codon 2899 of the KMT2D protein (p.Gly2899Arg).

NM_003482.4(KMT2D):c.8695G>C (p.Gly2899Arg)

Gene: KMT2D (lysine methyltransferase 2D; minus strand). Cytogenetic location: 12q13.12.
Variant type: single nucleotide variant.
Coding change: c.8695G>C on transcript NM_003482.4 (MANE Select); coding-DNA position 8695, G replaced by C.
Protein change: p.Gly2899Arg; replaces glycine 2899 with arginine.
Molecular consequence: missense variant.
Genome position (GRCh38, 1-based): chr12:49,038,661, C>G on the plus strand (G>C on the coding strand, the complement: KMT2D is on the minus strand). VCF-style: chr12-49038661-C-G. GRCh37 (hg19) VCF-style: chr12-49432444-C-G.
Other names: short protein forms G2899R.
Identifiers: ClinVar variation 1394283 (VCV001394283.6), dbSNP rs587778472, ClinGen allele CA384741144.